The following is an entry in ClinVar:

ClinVar aggregate classification (germline): Uncertain significance (1 of 4 stars; one submission).

Conditions:
Cardiovascular phenotype. Identifiers: MedGen CN230736.

Allele frequency attached by ClinVar (database versions not stated): TOPMed below 0.00001; gnomAD 0.00001.
gnomAD v4.1: 1 of 1,579,356 alleles (0.000063%); highest among the groups gnomAD compares: African/African-American, 0.0014%; no homozygotes.

Submission:

Ambry Genetics
Classification: Uncertain significance for Cardiovascular phenotype. Last evaluated: 2023-10-15. Review status: criteria provided, single submitter. Criteria: Ambry Variant Classification Scheme 2023. Collection method: clinical testing. Allele origin: germline.
Comment: The p.G491A variant (also known as c.1472G>C), located in coding exon 11 of the SCN10A gene, results from a G to C substitution at nucleotide position 1472. The glycine at codon 491 is replaced by alanine, an amino acid with similar properties. This amino acid position is conserved. In addition, the in silico prediction for this alteration is inconclusive. Since supporting evidence is limited at this time, the clinical significance of this alteration remains unclear.

NM_006514.4(SCN10A):c.1472G>C (p.Gly491Ala)

Gene: SCN10A (sodium voltage-gated channel alpha subunit 10; minus strand). Cytogenetic location: 3p22.2.
Variant type: single nucleotide variant.
Coding change: c.1472G>C on transcript NM_006514.4 (MANE Select); coding-DNA position 1472, G replaced by C.
Protein change: p.Gly491Ala; replaces glycine 491 with alanine.
Molecular consequence: missense variant. On other transcripts: intron variant (1).
Genome position (GRCh38, 1-based): chr3:38,752,502, C>G on the plus strand (G>C on the coding strand, the complement: SCN10A is on the minus strand). VCF-style: chr3-38752502-C-G. GRCh37 (hg19) VCF-style: chr3-38793993-C-G.
Other names: c.1472G>C, p.Gly491Ala (NM_001293306.2); c.1462-2318G>C (NM_001293307.2); short protein forms G491A.
Identifiers: ClinVar variation 3225618 (VCV003225618.1), dbSNP rs1462468438, ClinGen allele CA352167767.
Genomic context (GRCh38, chr3:38,752,502, plus strand): 5'-CCAGGGGACCGGAAATGGAACACACTGCCATGACTAGCCCGGCGTTTTCCAGAGGCGAGG[C>G]CTAGAAAAGACTGGGCATTGCCCCAAAGGAGCAAGAAGGCTGGAAACTGGTCCTCTGGGA-3'
Protein context (NP_006505.4, residues 481-501): PYNQRRMSFL[Gly491Ala]LASGKRRASH